The following is an entry in ClinVar:

NM_002160.4(TNC):c.2704G>A (p.Val902Ile)

Gene: TNC (tenascin C; minus strand). Cytogenetic location: 9q33.1.
Variant type: single nucleotide variant.
Coding change: c.2704G>A on transcript NM_002160.4 (MANE Select); coding-DNA position 2704, G replaced by A.
Protein change: p.Val902Ile; replaces valine 902 with isoleucine.
Molecular consequence: missense variant.
Genome position (GRCh38, 1-based): chr9:115,076,546, C>T on the plus strand (G>A on the coding strand, the complement: TNC is on the minus strand). VCF-style: chr9-115076546-C-T. GRCh37 (hg19) VCF-style: chr9-117838825-C-T.
Other names: c.2704G>A, p.Val902Ile (NM_001410991.1); short protein forms V902I.
Identifiers: ClinVar variation 2566411 (VCV002566411.4), dbSNP rs377630352, ClinGen allele CA5208437.

ClinVar aggregate classification (germline): Conflicting classifications of pathogenicity. Review status: criteria provided, conflicting classifications (1 of 4 stars). 2 submissions from 2 submitters: Uncertain significance (1); Likely benign (1). Last evaluated 2025-03-10.

Conditions:
TNC-related disorder. Also called: TNC-related condition.

Allele frequency attached by ClinVar (database versions not stated): ExAC 0.00002; TOPMed 0.00006; ESP Exome Variant Server 0.00008; gnomAD 0.00011; gnomAD exomes 0.00012.
gnomAD v4.1: 184 of 1,614,086 alleles (0.011%); highest among the groups gnomAD compares: Non-Finnish European, 0.015%; no homozygotes.

Submissions (2):

PreventionGenetics, part of Exact Sciences
Classification: Uncertain significance for TNC-related condition. Last evaluated: 2025-03-10. Review status: criteria provided, single submitter. Criteria: ACMG Guidelines, 2015. Collection method: clinical testing. Allele origin: germline.
Comment: The TNC c.2704G>A variant is predicted to result in the amino acid substitution p.Val902Ile. To our knowledge, this variant has not been reported in the literature. This variant is reported in 0.0054% of alleles in individuals of European (Non-Finnish) descent in gnomAD. At this time, the clinical significance of this variant is uncertain due to the absence of conclusive functional and genetic evidence.

Ambry Genetics
Classification: Likely benign. Last evaluated: 2023-04-24. Review status: criteria provided, single submitter. Criteria: Ambry Variant Classification Scheme 2023. Collection method: clinical testing. Allele origin: germline.